The following is an entry in ClinVar:

NM_001372.4(DNAH9):c.12404T>C (p.Ile4135Thr)

Gene: DNAH9 (dynein axonemal heavy chain 9; plus strand). Cytogenetic location: 17p12.
Variant type: single nucleotide variant.
Coding change: c.12404T>C on transcript NM_001372.4 (MANE Select); coding-DNA position 12404, T replaced by C.
Protein change: p.Ile4135Thr; replaces isoleucine 4135 with threonine.
Molecular consequence: missense variant.
Genome position (GRCh38, 1-based): chr17:11,933,986, T>C. VCF-style: chr17-11933986-T-C. GRCh37 (hg19) VCF-style: chr17-11837303-T-C.
Other names: c.1340T>C, p.Ile447Thr (NM_004662.2); short protein forms I4135T, I447T.
Identifiers: ClinVar variation 2584906 (VCV002584906.1), dbSNP rs2544900050, ClinGen allele CA398213489.

ClinVar aggregate classification (germline): Uncertain significance (1 of 4 stars; one submission).

Conditions:
Ciliary dyskinesia, primary, 40. Also called: CILIARY DYSKINESIA, PRIMARY, 40, WITH OR WITHOUT SITUS INVERSUS. Identifiers: MedGen C4749028, MONDO:0032664, OMIM 618300.

Allele frequency attached by ClinVar (database versions not stated): gnomAD exomes below 0.00001.
gnomAD v4.1: 1 of 1,614,198 alleles (0.000062%); highest among the groups gnomAD compares: South Asian, 0.0011%; no homozygotes.

Submission:

Neuberg Centre For Genomic Medicine, NCGM
Classification: Uncertain significance for Ciliary dyskinesia, primary, 40. Review status: criteria provided, single submitter. Criteria: ACMG Guidelines, 2015. Collection method: clinical testing. Allele origin: germline. Inheritance: Autosomal recessive inheritance. Affected: yes.
Comment: The c.12404T>C (p.Ile4135Thr) missense variant in DNAH9 gene has not been reported previously as a pathogenic variant nor as a benign variant, to our knowledge. The p.Ile4135Thr variant is novel (not in any individuals) in gnomAD Exomes and 1000 Genomes. The amino acid Ile at position 4135 is changed to a Thr changing protein sequence and it might alter its composition and physico-chemical properties. The amino acid change p.Ile4135Thr in DNAH9 is predicted as conserved by GERP++ and PhyloP across 100 vertebrates. For these reasons, this variant has been classified as Variant of Uncertain Significance (VUS).